The following is an entry in ClinVar:

ClinVar aggregate classification (germline): Conflicting classifications of pathogenicity. Review status: criteria provided, conflicting classifications (1 of 4 stars). 5 submissions from 5 submitters: Uncertain significance (1); Benign (1); Likely benign (2). 1 of the submissions does not count toward it. Last evaluated 2026-01-28.

Conditions:
Autosomal recessive osteopetrosis 1. Also called: TCIRG1-Related Autosomal Recessive Osteopetrosis; ALBERS-SCHONBERG DISEASE, AUTOSOMAL RECESSIVE; TCIRG1-Related Osteopetrosis. Identifiers: Orphanet 667, MedGen C1850127, MONDO:0009815, OMIM 259700.

Allele frequency attached by ClinVar (database versions not stated): 1000 Genomes Project 30x 0.00031; 1000 Genomes Project 0.00040; ExAC 0.00043; gnomAD 0.00086 and 0.00093; ESP Exome Variant Server 0.00100; TOPMed 0.00111.
gnomAD v4.1: 447 of 1,613,796 alleles (0.028%); highest among the groups gnomAD compares: African/African-American, 0.28%; no homozygotes.

Submissions (5):

Labcorp Genetics (formerly Invitae), Labcorp
Classification: Benign. Last evaluated: 2026-01-28. Review status: criteria provided, single submitter. Criteria: Invitae Variant Classification Sherloc (09022015). Collection method: clinical testing. Allele origin: germline.

Blueprint Genetics
Classification: Likely benign. Last evaluated: 2024-09-16. Review status: criteria provided, single submitter. Criteria: ACMG Guidelines, 2015. Collection method: clinical testing. Allele origin: germline.

CeGaT Center for Human Genetics Tuebingen
Classification: Likely benign. Last evaluated: 2023-10-01. Review status: criteria provided, single submitter. Criteria: CeGaT Center For Human Genetics Tuebingen Variant Classification Criteria Version 2. Collection method: clinical testing. Allele origin: germline. Affected: yes. Observed: 1 variant allele.
Comment: TCIRG1: BP4, BP7

Illumina Laboratory Services, Illumina
Classification: Uncertain significance for Autosomal recessive osteopetrosis 1. Last evaluated: 2017-04-27. Review status: criteria provided, single submitter. Criteria: ICSL Variant Classification Criteria 13 December 2019. Collection method: clinical testing. Allele origin: germline.

Natera, Inc.
Classification: Likely benign for Infantile malignant osteopetrosis. Last evaluated: 2020-04-16. Review status: no assertion criteria provided. Collection method: clinical testing. Allele origin: germline. Not counted in ClinVar's aggregate classification.

NM_006019.4(TCIRG1):c.1536C>T (p.Tyr512=)

Gene: TCIRG1 (T cell immune regulator 1, ATPase H+ transporting V0 subunit a3; plus strand). Cytogenetic location: 11q13.2.
Variant type: single nucleotide variant.
Coding change: c.1536C>T on transcript NM_006019.4 (MANE Select); coding-DNA position 1536, C replaced by T.
Protein change: p.Tyr512=; no amino-acid change (tyrosine 512 retained).
Molecular consequence: synonymous variant.
Genome position (GRCh38, 1-based): chr11:68,047,954, C>T. VCF-style: chr11-68047954-C-T. GRCh37 (hg19) VCF-style: chr11-67815421-C-T.
Other names: c.642C>T, p.Tyr214= (NM_001351059.2); c.888C>T, p.Tyr296= (NM_006053.4).
Identifiers: ClinVar variation 709288 (VCV000709288.39), dbSNP rs138049763, ClinGen allele CA6147153.